The following is an entry in ClinVar:

NM_000094.4(COL7A1):c.3457C>A (p.Arg1153Ser)

Gene: COL7A1 (collagen type VII alpha 1 chain; minus strand). Cytogenetic location: 3p21.31.
Variant type: single nucleotide variant.
Coding change: c.3457C>A on transcript NM_000094.4 (MANE Select); coding-DNA position 3457, C replaced by A.
Protein change: p.Arg1153Ser; replaces arginine 1153 with serine.
Molecular consequence: missense variant.
Genome position (GRCh38, 1-based): chr3:48,586,425, G>T on the plus strand (C>A on the coding strand, the complement: COL7A1 is on the minus strand). VCF-style: chr3-48586425-G-T. GRCh37 (hg19) VCF-style: chr3-48623858-G-T.
Other names: short protein forms R1153S.
Identifiers: ClinVar variation 2115228 (VCV002115228.4), dbSNP rs375583602, ClinGen allele CA352705544.

ClinVar aggregate classification (germline): Uncertain significance (1 of 4 stars; one submission).

Submission:

Labcorp Genetics (formerly Invitae), Labcorp
Classification: Uncertain significance. Last evaluated: 2024-12-16. Review status: criteria provided, single submitter. Criteria: Invitae Variant Classification Sherloc (09022015). Collection method: clinical testing. Allele origin: germline.
Comment: This sequence change replaces arginine, which is basic and polar, with serine, which is neutral and polar, at codon 1153 of the COL7A1 protein (p.Arg1153Ser). This variant is not present in population databases (gnomAD no frequency). This variant has not been reported in the literature in individuals affected with COL7A1-related conditions. ClinVar contains an entry for this variant (Variation ID: 2115228). Invitae Evidence Modeling of protein sequence and biophysical properties (such as structural, functional, and spatial information, amino acid conservation, physicochemical variation, residue mobility, and thermodynamic stability) has been performed for this missense variant. However, the output from this modeling did not meet the statistical confidence thresholds required to predict the impact of this variant on COL7A1 protein function. In summary, the available evidence is currently insufficient to determine the role of this variant in disease. Therefore, it has been classified as a Variant of Uncertain Significance.